The following is an entry in ClinVar:

ClinVar aggregate classification (germline): Uncertain significance. Review status: criteria provided, multiple submitters, no conflicts (2 of 4 stars). 3 submissions from 3 submitters: Uncertain significance (3). Last evaluated 2025-12-26.

Conditions:
Ehlers-Danlos syndrome, classic type, 2 (EDSCL2). Also called: Ehlers-Danlos Syndrome, Classic Type, COL5A2-Related; Ehlers-Danlos syndrome, type 2; Ehlers-Danlos syndrome type 2 (formerly). Identifiers: Orphanet 287, Orphanet 90318, MedGen C0268336, MONDO:0019568, OMIM 130010.
Ehlers-Danlos syndrome, classic type, 1 (EDSCL1). Also called: EDS I; EHLERS-DANLOS SYNDROME, GRAVIS TYPE; EHLERS-DANLOS SYNDROME, SEVERE CLASSIC TYPE; Ehlers-Danlos Syndrome, Classic Type, COL5A1-Related; Ehlers-Danlos syndrome, type 1. Identifiers: MedGen C0268335, MONDO:0019567, OMIM 130000.
Familial thoracic aortic aneurysm and aortic dissection (TAAD). Also called: Thoracic aortic aneurysms and dissections. Identifiers: Orphanet 91387, MedGen C4707243, MONDO:0019625.

Allele frequency attached by ClinVar (database versions not stated): TOPMed 0.00002; 1000 Genomes Project 0.00020; 1000 Genomes Project 30x 0.00016.
gnomAD v4.1: 28 of 1,612,946 alleles (0.0017%); highest among the groups gnomAD compares: Admixed American, 0.025%; no homozygotes.

Submissions (3):

Labcorp Genetics (formerly Invitae), Labcorp
Classification: Uncertain significance for Ehlers-Danlos syndrome, classic type, 1. Last evaluated: 2025-12-26. Review status: criteria provided, single submitter. Criteria: Invitae Variant Classification Sherloc (09022015). Collection method: clinical testing. Allele origin: germline.
Comment: This sequence change replaces arginine, which is basic and polar, with proline, which is neutral and non-polar, at codon 302 of the COL5A2 protein (p.Arg302Pro). This variant is present in population databases (rs545574407, gnomAD 0.02%). This variant has not been reported in the literature in individuals affected with COL5A2-related conditions. ClinVar contains an entry for this variant (Variation ID: 650555). An algorithm developed to predict the effect of missense changes on protein structure and function (PolyPhen-2) suggests that this variant is likely to be disruptive. In summary, the available evidence is currently insufficient to determine the role of this variant in disease. Therefore, it has been classified as a Variant of Uncertain Significance.

Fulgent Genetics
Classification: Uncertain significance for Ehlers-Danlos syndrome, classic type, 2. Last evaluated: 2024-03-25. Review status: criteria provided, single submitter. Criteria: ACMG Guidelines, 2015. Collection method: clinical testing. Allele origin: germline.

Ambry Genetics
Classification: Uncertain significance for Familial thoracic aortic aneurysm and aortic dissection. Last evaluated: 2023-04-25. Review status: criteria provided, single submitter. Criteria: Ambry Variant Classification Scheme 2023. Collection method: clinical testing. Allele origin: germline.
Comment: The p.R302P variant (also known as c.905G>C), located in coding exon 13 of the COL5A2 gene, results from a G to C substitution at nucleotide position 905. The arginine at codon 302 is replaced by proline, an amino acid with dissimilar properties. This amino acid position is highly conserved in available vertebrate species. In addition, the in silico prediction for this alteration is inconclusive. Since supporting evidence is limited at this time, the clinical significance of this alteration remains unclear.

NM_000393.5(COL5A2):c.905G>C (p.Arg302Pro)

Gene: COL5A2 (collagen type V alpha 2 chain; minus strand). Cytogenetic location: 2q32.2.
Variant type: single nucleotide variant.
Coding change: c.905G>C on transcript NM_000393.5 (MANE Select); coding-DNA position 905, G replaced by C.
Protein change: p.Arg302Pro; replaces arginine 302 with proline.
Molecular consequence: missense variant.
Genome position (GRCh38, 1-based): chr2:189,080,991, C>G on the plus strand (G>C on the coding strand, the complement: COL5A2 is on the minus strand). VCF-style: chr2-189080991-C-G. GRCh37 (hg19) VCF-style: chr2-189945717-C-G.
Other names: short protein forms R302P.
Identifiers: ClinVar variation 650555 (VCV000650555.11), dbSNP rs545574407, ClinGen allele CA2022914.